The following is an entry in ClinVar:

ClinVar aggregate classification (germline): Uncertain significance. Review status: criteria provided, multiple submitters, no conflicts (2 of 4 stars). 2 submissions from 2 submitters: Uncertain significance (2). Last evaluated 2024-04-09.

Conditions:
Neurodevelopmental disorder with or without variable brain abnormalities; NEDBA. Also called: NEURODEVELOPMENTAL DISORDER WITH OR WITHOUT VARIABLE BRAIN ABNORMALITIES. Identifiers: MedGen C5193102, MONDO:0032755, OMIM 618443.
Inborn genetic diseases. Identifiers: MedGen C0950123, MeSH D030342.

gnomAD v4.1: 44 of 1,574,676 alleles (0.0028%); highest among the groups gnomAD compares: Admixed American, 0.0038%; no homozygotes.

Submissions (2):

Ambry Genetics
Classification: Uncertain significance for Inborn genetic diseases. Last evaluated: 2024-04-09. Review status: criteria provided, single submitter. Criteria: Ambry Variant Classification Scheme 2023. Collection method: clinical testing. Allele origin: germline.

Pittsburgh Clinical Genomics Laboratory, University of Pittsburgh Medical Center
Classification: Uncertain significance for Neurodevelopmental disorder with or without variable brain abnormalities; NEDBA. Last evaluated: 2023-12-29. Review status: criteria provided, single submitter. Criteria: ACMG Guidelines, 2015. Collection method: clinical testing. Allele origin: germline. Inheritance: Autosomal dominant inheritance. Affected: yes.
Comment: This sequence variant is a single nucleotide substitution (T>C) at position 629 of the coding sequence of the MAPK8IP3 gene that results in a valine to alanine amino acid change at residue 210 of the mitogen-activated protein kinase 8 interacting protein 3 protein. This variant is absent from ClinVar and has not been observed in an individual with a MAPK8IP3-related disorder in the published literature, to our knowledge. This variant is present in 9 of 361490 alleles (0.0025%) in the gnomAD population dataset. Bioinformatic tools provide conflicting predictions concerning the impact of this valine to alanine amino acid change, and the Val210 residue at this position is highly conserved across the vertebrate species examined. Studies examining the functional consequence of this variant have not been published, to our knowledge. At this time, there is insufficient evidence to determine if this variant is pathogenic or benign. Therefore, we consider this a variant of uncertain significance. ACMG Criteria: PM2

NM_001318852.2(MAPK8IP3):c.632T>C (p.Val211Ala)

Gene: MAPK8IP3 (mitogen-activated protein kinase 8 interacting protein 3; plus strand). Cytogenetic location: 16p13.3.
Variant type: single nucleotide variant.
Coding change: c.632T>C on transcript NM_001318852.2 (MANE Select); coding-DNA position 632, T replaced by C.
Protein change: p.Val211Ala; replaces valine 211 with alanine.
Molecular consequence: missense variant.
Genome position (GRCh38, 1-based): chr16:1,743,361, T>C. VCF-style: chr16-1743361-T-C. GRCh37 (hg19) VCF-style: chr16-1793362-T-C.
Other names: c.629T>C, p.Val210Ala (NM_001040439.2, NM_015133.5); short protein forms V210A, V211A.
Identifiers: ClinVar variation 3293255 (VCV003293255.2).